The following is an entry in ClinVar:

NM_001382273.1(TNK2):c.-18-3877G>A

Gene: TNK2 (tyrosine kinase non receptor 2; minus strand). Cytogenetic location: 3q29.
Variant type: single nucleotide variant.
Coding change: c.-18-3877G>A on transcript NM_001382273.1 (MANE Select); 3877 bases into the intron before 18 bases upstream of the start codon, G replaced by A.
Molecular consequence: intron variant. On other transcripts: synonymous variant (4), non-coding transcript variant (5).
Genome position (GRCh38, 1-based): chr3:195,892,483, C>T on the plus strand (G>A on the coding strand, the complement: TNK2 is on the minus strand). VCF-style: chr3-195892483-C-T. GRCh37 (hg19) VCF-style: chr3-195619354-C-T.
Other names: c.6G>A, p.Pro2= (NM_001308046.2, NM_001382271.1, NM_001382275.1 and 1 more transcripts); c.-18-3877G>A (NM_001387720.1, NM_005781.5, NM_001386164.1 and 3 more transcripts); c.-19+3570G>A (NM_001387721.1, NM_001387710.1); c.-19+3412G>A (NM_001387719.1, NM_001387713.1, NM_001387712.1 and 2 more transcripts); c.54+2763G>A (NM_001387715.1, NM_001387708.1, NM_001010938.2 and 1 more transcripts); c.-19+2123G>A (NM_001387709.1, NM_001387716.1).
Identifiers: ClinVar variation 3053032 (VCV003053032.2), dbSNP rs779349215, ClinGen allele CA2777079.

ClinVar aggregate classification (germline): Likely benign (0 of 4 stars; one submission).

Conditions:
TNK2-related disorder. Also called: TNK2-related condition.

Allele frequency attached by ClinVar (database versions not stated): 1000 Genomes Project 30x 0.00016; ExAC 0.00017.
gnomAD v4.1: 136 of 1,535,654 alleles (0.0089%); highest among the groups gnomAD compares: South Asian, 0.032%; no homozygotes.

Submission:

PreventionGenetics, part of Exact Sciences
Classification: Likely benign for TNK2-related condition. Last evaluated: 2019-08-14. Review status: no assertion criteria provided. Collection method: clinical testing. Allele origin: germline.
Comment: This variant is classified as likely benign based on ACMG/AMP sequence variant interpretation guidelines (Richards et al. 2015 PMID: 25741868, with internal and published modifications).